The following is an entry in ClinVar:

NM_015365.3(AMMECR1):c.528_535delinsGTAATC (p.Ile176_Phe179delinsMetTer)

Gene: AMMECR1 (AMMECR nuclear protein 1; minus strand). Cytogenetic location: Xq23.
Variant type: Indel.
Coding change: c.528_535delinsGTAATC on transcript NM_015365.3 (MANE Select); coding-DNA positions 528 to 535, AGGTACTT replaced by GTAATC.
Protein change: p.Ile176_Phe179delinsMetTer.
Molecular consequence: nonsense. On other transcripts: intron variant (1).
Genome position (GRCh38, 1-based): chrX:110,264,538-110,264,545, AAGTACCT replaced by GATTAC on the plus strand (AGGTACTT replaced by GTAATC on the coding strand, the reverse complement: AMMECR1 is on the minus strand). VCF-style: chrX-110264538-AAGTACCT-GATTAC. GRCh37 (hg19) VCF-style: chrX-109507766-AAGTACCT-GATTAC.
Other names: c.474-47913_474-47906delinsGTAATC (NM_001025580.2); c.159_166delinsGTAATC, p.Ile53_Phe56delinsMetTer (NM_001171689.2).
Identifiers: ClinVar variation 2579102 (VCV002579102.25), dbSNP rs2522577521, ClinGen allele CA2580617846.

ClinVar aggregate classification (germline): Uncertain significance (1 of 4 stars; one submission).

Submission:

CeGaT Center for Human Genetics Tuebingen
Classification: Uncertain significance. Last evaluated: 2023-08-01. Review status: criteria provided, single submitter. Criteria: CeGaT Center For Human Genetics Tuebingen Variant Classification Criteria Version 2. Collection method: clinical testing. Allele origin: germline. Affected: yes. Observed: 1 variant allele.
Comment: AMMECR1: PM2, PVS1:Moderate